The following is an entry in ClinVar:

NM_000135.4(FANCA):c.890G>T (p.Cys297Phe)

Gene: FANCA (FA complementation group A; minus strand). Cytogenetic location: 16q24.3.
Variant type: single nucleotide variant.
Coding change: c.890G>T on transcript NM_000135.4 (MANE Select); coding-DNA position 890, G replaced by T.
Protein change: p.Cys297Phe; replaces cysteine 297 with phenylalanine.
Molecular consequence: missense variant.
Genome position (GRCh38, 1-based): chr16:89,799,169, C>A on the plus strand (G>T on the coding strand, the complement: FANCA is on the minus strand). VCF-style: chr16-89799169-C-A. GRCh37 (hg19) VCF-style: chr16-89865577-C-A.
Other names: c.890G>T, p.Cys297Phe (NM_001018112.3, NM_001286167.3); c.794G>T, p.Cys265Phe (NM_001351830.2); short protein forms C265F, C297F.
Identifiers: ClinVar variation 4254150 (VCV004254150.1).

ClinVar aggregate classification (germline): Uncertain significance (1 of 4 stars; one submission).

Conditions:
Inborn genetic diseases. Identifiers: MedGen C0950123, MeSH D030342.

Submission:

Ambry Genetics
Classification: Uncertain significance for Inborn genetic diseases. Last evaluated: 2025-06-23. Review status: criteria provided, single submitter. Criteria: Ambry Variant Classification Scheme 2023. Collection method: clinical testing. Allele origin: germline.
Comment: The p.C297F variant (also known as c.890G>T), located in coding exon 10 of the FANCA gene, results from a G to T substitution at nucleotide position 890. The cysteine at codon 297 is replaced by phenylalanine, an amino acid with highly dissimilar properties. This amino acid position is conserved. In addition, this alteration is predicted to be tolerated by in silico analysis. Based on the available evidence, the clinical significance of this variant remains unclear.